The following is an entry in ClinVar:

ClinVar aggregate classification (germline): Uncertain significance (1 of 4 stars; one submission).

Allele frequency attached by ClinVar (database versions not stated): gnomAD 0.00003; ESP Exome Variant Server 0.00008; TOPMed 0.00008; ExAC 0.00013; gnomAD exomes 0.00013.
gnomAD v4.1: 73 of 1,559,606 alleles (0.0047%); highest among the groups gnomAD compares: Non-Finnish European, 0.0011%; no homozygotes.

Submission:

Labcorp Genetics (formerly Invitae), Labcorp
Classification: Uncertain significance. Last evaluated: 2026-02-01. Review status: criteria provided, single submitter. Criteria: Invitae Variant Classification Sherloc (09022015). Collection method: clinical testing. Allele origin: germline.
Comment: This sequence change replaces proline, which is neutral and non-polar, with alanine, which is neutral and non-polar, at codon 966 of the ITGAM protein (p.Pro966Ala). This variant is present in population databases (rs370103742, gnomAD 0.2%), and has an allele count higher than expected for a pathogenic variant. This variant has not been reported in the literature in individuals affected with ITGAM-related conditions. ClinVar contains an entry for this variant (Variation ID: 1384840). An algorithm developed to predict the effect of missense changes on protein structure and function (PolyPhen-2) suggests that this variant is likely to be disruptive. In summary, the available evidence is currently insufficient to determine the role of this variant in disease. Therefore, it has been classified as a Variant of Uncertain Significance.

NM_000632.4(ITGAM):c.2896C>G (p.Pro966Ala)

Gene: ITGAM (integrin subunit alpha M; plus strand). Cytogenetic location: 16p11.2.
Variant type: single nucleotide variant.
Coding change: c.2896C>G on transcript NM_000632.4 (MANE Select); coding-DNA position 2896, C replaced by G.
Protein change: p.Pro966Ala; replaces proline 966 with alanine.
Molecular consequence: missense variant.
Genome position (GRCh38, 1-based): chr16:31,329,825, C>G. VCF-style: chr16-31329825-C-G. GRCh37 (hg19) VCF-style: chr16-31341146-C-G.
Other names: c.2899C>G, p.Pro967Ala (NM_001145808.2); short protein forms P966A, P967A.
Identifiers: ClinVar variation 1384840 (VCV001384840.8), dbSNP rs370103742, ClinGen allele CA8026011.